The following is an entry in ClinVar:

ClinVar aggregate classification (germline): Uncertain significance (1 of 4 stars; one submission).

Submission:

Dasa
Classification: Uncertain significance. Last evaluated: 2025-02-24. Review status: criteria provided, single submitter. Criteria: DASA Assertion Criteria. Collection method: clinical testing. Allele origin: germline.
Comment: NM_004380.3(CREBBP):c.2321A>T (p.Asn774Ile) is a missense variant that results in the substitution of asparagine with isoleucine. This variant is absent from population databases. Computational prediction algorithms are consistent with a benign effect. The currently available literature and clinical evidence are not sufficient to establish a definitive association between this variant and the reported condition. Therefore, this variant is classified as a variant of uncertain significance.

NM_004380.3(CREBBP):c.2321A>T (p.Asn774Ile)

Gene: CREBBP (CREB binding lysine acetyltransferase; minus strand). Cytogenetic location: 16p13.3.
Variant type: single nucleotide variant.
Coding change: c.2321A>T on transcript NM_004380.3 (MANE Select); coding-DNA position 2321, A replaced by T.
Protein change: p.Asn774Ile; replaces asparagine 774 with isoleucine.
Molecular consequence: missense variant.
Genome position (GRCh38, 1-based): chr16:3,773,893, T>A on the plus strand (A>T on the coding strand, the complement: CREBBP is on the minus strand). VCF-style: chr16-3773893-T-A. GRCh37 (hg19) VCF-style: chr16-3823894-T-A.
Other names: c.2207A>T, p.Asn736Ile (NM_001079846.1); short protein forms N736I, N774I.
Identifiers: ClinVar variation 4883255 (VCV004883255.2).